The following is an entry in ClinVar:

NM_005476.7(GNE):c.1926_1927insCGGCCCAGAGCATCCTA (p.Arg643_Thr644insProArgAlaSerTer)

Gene: GNE (glucosamine (UDP-N-acetyl)-2-epimerase/N-acetylmannosamine kinase; minus strand). Cytogenetic location: 9p13.3.
Variant type: Insertion.
Coding change: c.1926_1927insCGGCCCAGAGCATCCTA on transcript NM_005476.7 (MANE Select); coding-DNA positions 1926 to 1927, CGGCCCAGAGCATCCTA inserted.
Protein change: p.Arg643_Thr644insProArgAlaSerTer.
Molecular consequence: nonsense, inframe insertion.
Genome position: GRCh38 VCF-style: chr9-36218189-T-TTAGGATGCTCTGGGCCG. GRCh37 (hg19) VCF-style: chr9-36218186-T-TTAGGATGCTCTGGGCCG.
Other names: c.2019_2020insCGGCCCAGAGCATCCTA, p.Arg674_Thr675insProArgAlaSerTer (NM_001128227.3); c.1704_1705insCGGCCCAGAGCATCCTA, p.Arg569_Thr570insProArgAlaSerTer (NM_001190383.3); c.1596_1597insCGGCCCAGAGCATCCTA, p.Arg533_Thr534insProArgAlaSerTer (NM_001190384.3); c.1749_1750insCGGCCCAGAGCATCCTA, p.Arg584_Thr585insProArgAlaSerTer (NM_001190388.2, NM_001374798.1); c.1773_1774insCGGCCCAGAGCATCCTA, p.Arg592_Thr593insProArgAlaSerTer (NM_001374797.1).
Identifiers: ClinVar variation 2021712 (VCV002021712.4), dbSNP rs2489590641, ClinGen allele CA2580080497.

ClinVar aggregate classification (germline): Pathogenic (1 of 4 stars; one submission).

Conditions:
GNE myopathy (NM). Also called: INCLUSION BODY MYOPATHY, HEREDITARY, AUTOSOMAL RECESSIVE; INCLUSION BODY MYOPATHY 2, AUTOSOMAL RECESSIVE; MYOPATHY, DISTAL, WITH OR WITHOUT RIMMED VACUOLES; IBM 2; Inclusion body myopathy autosomal recessive; Inclusion body myopathy quadriceps sparing. Identifiers: Orphanet 602, MedGen C1853926, MONDO:0011603, OMIM 605820.
Sialuria. Also called: SIALURIA, FRENCH TYPE; Sialic Acid Storage Disease. Identifiers: Orphanet 3166, MedGen C0342853, MONDO:0010028, OMIM 269921.

Submission:

Labcorp Genetics (formerly Invitae), Labcorp
Classification: Pathogenic for Sialuria; GNE myopathy. Last evaluated: 2022-08-16. Review status: criteria provided, single submitter. Criteria: Invitae Variant Classification Sherloc (09022015). Collection method: clinical testing. Allele origin: germline.
Comment: For these reasons, this variant has been classified as Pathogenic. This variant disrupts a region of the GNE protein in which other variant(s) (p.Met743Thr) have been determined to be pathogenic (PMID: 11528398, 15147877, 15670773, 20300792, 23278550). This suggests that this is a clinically significant region of the protein, and that variants that disrupt it are likely to be disease-causing. This variant has not been reported in the literature in individuals affected with GNE-related conditions. This variant is not present in population databases (gnomAD no frequency). This sequence change creates a premature translational stop signal (p.Thr675Profs*5) in the GNE gene. While this is not anticipated to result in nonsense mediated decay, it is expected to disrupt the last 79 amino acid(s) of the GNE protein.

Literature cited by the submitters: PubMed 11528398; PubMed 15147877; PubMed 15670773; PubMed 20300792; PubMed 23278550.